The following is an entry in ClinVar:

ClinVar aggregate classification (germline): Uncertain significance. Review status: criteria provided, single submitter (1 of 4 stars). 2 submissions from 2 submitters: Uncertain significance (1). 1 of the submissions does not count toward it. Last evaluated 2022-11-01.

Conditions:
SIM1-related disorder. Also called: SIM1-related condition; SIM1-related disorders.
Inborn genetic diseases. Identifiers: MedGen C0950123, MeSH D030342.

Allele frequency attached by ClinVar (database versions not stated): gnomAD exomes 0.00001; TOPMed 0.00002; gnomAD 0.00003.
gnomAD v4.1: 17 of 1,611,452 alleles (0.0011%); highest among the groups gnomAD compares: Non-Finnish European, 0.0014%; no homozygotes.

Submissions (2):

Ambry Genetics
Classification: Uncertain significance for Inborn genetic diseases. Last evaluated: 2022-11-01. Review status: criteria provided, single submitter. Criteria: Ambry Variant Classification Scheme 2023. Collection method: clinical testing. Allele origin: germline.

PreventionGenetics, part of Exact Sciences
Classification: Uncertain significance for SIM1-related condition. Last evaluated: 2024-03-13. Review status: no assertion criteria provided. Collection method: clinical testing. Allele origin: germline. Not counted in ClinVar's aggregate classification.
Comment: The SIM1 c.185A>G variant is predicted to result in the amino acid substitution p.Glu62Gly. To our knowledge, this variant has not been reported in the literature. This variant is reported in 0.0018% of alleles in individuals of European (Non-Finnish) descent in gnomAD. Of note, another variant impacting the same amino acid (p.Glu62Lys) was reported in an individual with obesity (Bonnefond et al. 2013. PubMed ID: 23778136). At this time, the clinical significance of the c.185A>G (p.Glu62Gly) variant is uncertain due to the absence of conclusive functional and genetic evidence.

NM_005068.3(SIM1):c.185A>G (p.Glu62Gly)

Gene: SIM1 (SIM bHLH transcription factor 1; minus strand). Cytogenetic location: 6q16.3.
Variant type: single nucleotide variant.
Coding change: c.185A>G on transcript NM_005068.3 (MANE Select); coding-DNA position 185, A replaced by G.
Protein change: p.Glu62Gly; replaces glutamic acid 62 with glycine.
Molecular consequence: missense variant.
Genome position (GRCh38, 1-based): chr6:100,453,835, T>C on the plus strand (A>G on the coding strand, the complement: SIM1 is on the minus strand). VCF-style: chr6-100453835-T-C. GRCh37 (hg19) VCF-style: chr6-100901711-T-C.
Other names: c.185A>G, p.Glu62Gly (NM_001374769.1); short protein forms E62G.
Identifiers: ClinVar variation 2222836 (VCV002222836.3), dbSNP rs201033607, ClinGen allele CA143969527.